The following is an entry in ClinVar:

NM_001034850.3(RETREG1):c.1415T>C (p.Leu472Pro)

Gene: RETREG1 (reticulophagy regulator 1; minus strand). Cytogenetic location: 5p15.1.
Variant type: single nucleotide variant.
Coding change: c.1415T>C on transcript NM_001034850.3 (MANE Select); coding-DNA position 1415, T replaced by C.
Protein change: p.Leu472Pro; replaces leucine 472 with proline.
Molecular consequence: missense variant.
Genome position (GRCh38, 1-based): chr5:16,474,820, A>G on the plus strand (T>C on the coding strand, the complement: RETREG1 is on the minus strand). VCF-style: chr5-16474820-A-G. GRCh37 (hg19) VCF-style: chr5-16474929-A-G.
Other names: c.992T>C, p.Leu331Pro (NM_019000.5); short protein forms L472P, L331P.
Identifiers: ClinVar variation 538133 (VCV000538133.8), dbSNP rs1554014580, ClinGen allele CA359255565.

ClinVar aggregate classification (germline): Uncertain significance (1 of 4 stars; one submission).

Allele frequency attached by ClinVar (database versions not stated): gnomAD exomes below 0.00001.
gnomAD v4.1: 2 of 1,613,910 alleles (0.00012%); highest among the groups gnomAD compares: South Asian, 0.0022%; no homozygotes.

Submission:

Labcorp Genetics (formerly Invitae), Labcorp
Classification: Uncertain significance. Last evaluated: 2017-11-24. Review status: criteria provided, single submitter. Criteria: Invitae Variant Classification Sherloc (09022015). Collection method: clinical testing. Allele origin: germline.
Comment: In summary, the available evidence is currently insufficient to determine the role of this variant in disease. Therefore, it has been classified as a Variant of Uncertain Significance. Algorithms developed to predict the effect of missense changes on protein structure and function do not agree on the potential impact of this missense change (SIFT: "Tolerated"; PolyPhen-2: "Possibly Damaging"; Align-GVGD: "Class C0"). This variant has not been reported in the literature in individuals with FAM134B-related disease. This variant is not present in population databases (ExAC no frequency). This sequence change replaces leucine with proline at codon 472 of the FAM134B protein (p.Leu472Pro). The leucine residue is highly conserved and there is a moderate physicochemical difference between leucine and proline.